The following is an entry in ClinVar:

ClinVar aggregate classification (germline): Likely pathogenic. Review status: criteria provided, multiple submitters, no conflicts (2 of 4 stars). 2 submissions from 2 submitters: Likely pathogenic (2). Last evaluated 2025-06-04.

Conditions:
FREM1-related disorder. Also called: FREM1-Related Disorders; FREM1-related condition.
BNAR syndrome. Also called: Bifid Nose With or Without Anorectal and Renal Anomalies (BNAR) Syndrome. Identifiers: Orphanet 217266, MedGen C2750433, MONDO:0012165, OMIM 608980.
Oculotrichoanal syndrome (MOTA). Also called: MARLES SYNDROME; Manitoba Oculotrichoanal (MOTA) Syndrome. Identifiers: Orphanet 2717, MedGen C1855425, MONDO:0009560, OMIM 248450.

Submissions (2):

Clinical Genomics Laboratory, Washington University in St. Louis
Classification: Likely pathogenic for Oculotrichoanal syndrome; BNAR syndrome. Last evaluated: 2025-06-04. Review status: criteria provided, single submitter. Criteria: ACMG Guidelines, 2015. Collection method: clinical testing. Allele origin: germline. Affected: yes.
Comment: The FREM1 c.5205-1_5209delinsTTT variant, to our knowledge, has not been reported in the medical literature but has been reported in the ClinVar database as a germline likely pathogenic variant by one submitter (Variation ID: 2636405). This variant is absent from the general population (gnomAD v.4.1.0), indicating it is not a common variant. This variant occurs within the canonical splice acceptor site, which is predicted to cause skipping of the exon, leading to an out-of-frame transcript. Based on available information and the ACMG/AMP guidelines for variant interpretation (Richards S et al., PMID: 25741868), this variant is classified as likely pathogenic.

PreventionGenetics, part of Exact Sciences
Classification: Likely pathogenic for FREM1-related condition. Last evaluated: 2022-08-25. Review status: criteria provided, single submitter. Criteria: ACMG Guidelines, 2015. Collection method: clinical testing. Allele origin: germline.
Comment: The FREM1 c.5205-1_5209delinsTTT variant is predicted to result in an in-frame deletion and insertion. To our knowledge, this variant has not been reported in the literature or in a large population database, indicating this variant is rare. Frameshift and splicing variants in FREM1 are expected to be pathogenic and therefore this variant is interpreted as likely pathogenic.

NM_001379081.2(FREM1):c.5205-1_5209delinsTTT

Gene: FREM1 (FRAS1 related extracellular matrix 1; minus strand). Cytogenetic location: 9p22.3.
Variant type: Indel.
Coding change: c.5205-1_5209delinsTTT on transcript NM_001379081.2 (MANE Select); the canonical splice acceptor site of the intron before coding-DNA position 5205 through coding-DNA position 5209, GTTTGG replaced by TTT.
Molecular consequence: splice acceptor variant.
Genome position (GRCh38, 1-based): chr9:14,759,897-14,759,902, CCAAAC replaced by AAA on the plus strand (GTTTGG replaced by TTT on the coding strand, the reverse complement: FREM1 is on the minus strand). VCF-style: chr9-14759897-CCAAAC-AAA. GRCh37 (hg19) VCF-style: chr9-14759895-CCAAAC-AAA.
Other names: c.5205-1_5209delinsTTT (NM_144966.7); c.813-1_817delinsTTT (NM_001370061.2, NM_001370058.2, NM_001177704.3).
Identifiers: ClinVar variation 2636405 (VCV002636405.2), dbSNP rs2539492420, ClinGen allele CA2695201540.